The following is an entry in ClinVar:

NM_001370259.2(MEN1):c.1549A>T (p.Lys517Ter)

Gene: MEN1 (menin 1; minus strand). Cytogenetic location: 11q13.1.
Variant type: single nucleotide variant.
Coding change: c.1549A>T on transcript NM_001370259.2 (MANE Select); coding-DNA position 1549, A replaced by T.
Protein change: p.Lys517Ter; replaces lysine 517 with a stop codon.
Molecular consequence: nonsense.
Genome position (GRCh38, 1-based): chr11:64,804,618, T>A on the plus strand (A>T on the coding strand, the complement: MEN1 is on the minus strand). VCF-style: chr11-64804618-T-A. GRCh37 (hg19) VCF-style: chr11-64572090-T-A.
Other names: c.1564A>T, p.Lys522Ter (NM_000244.4, NM_130800.3, NM_130801.3 and 3 more transcripts); c.1675A>T, p.Lys559Ter (NM_001370251.2); c.1549A>T, p.Lys517Ter (NM_001370260.2, NM_001370261.2, NM_130799.3); c.1444A>T, p.Lys482Ter (NM_001370262.2, NM_001370263.2); short protein forms K517*, K522*, K482*, K559*.
Identifiers: ClinVar variation 200986 (VCV000200986.12), dbSNP rs794728630, ClinGen allele CA009207.
Genomic context (GRCh38, chr11:64,804,618, plus strand): 5'-CCTGAGCCGTGCTGCCACCTTCAGGGCCTCGGGCTGTGCCAGCGACAGTCCCAGGAGGCT[T>A]CCGGGGGGGTCCTGACACTGCACCCTGGCCGGTGCCCAGGCCCTTGTCCAGTGCTGGCTT-3'

ClinVar aggregate classification (germline): Pathogenic. Review status: criteria provided, multiple submitters, no conflicts (2 of 4 stars). 2 submissions from 2 submitters: Pathogenic (2). Last evaluated 2025-03-18.

Conditions:
Hereditary cancer-predisposing syndrome. Also called: Hereditary Cancer Syndrome; Tumor predisposition; Hereditary neoplastic syndrome; Neoplastic Syndromes, Hereditary. Identifiers: Orphanet 140162, MedGen C0027672, MeSH D009386, MONDO:0015356.
Multiple endocrine neoplasia, type 1 (MEN1). Also called: MEA I; MEN I; WERMER SYNDROME; Endocrine adenomatosis multiple; MEN 1. Identifiers: Orphanet 652, MedGen C0025267, MeSH D018761, MONDO:0007540, OMIM 131100.

Submissions (2):

Labcorp Genetics (formerly Invitae), Labcorp
Classification: Pathogenic for Multiple endocrine neoplasia, type 1. Last evaluated: 2025-03-18. Review status: criteria provided, single submitter. Criteria: Invitae Variant Classification Sherloc (09022015). Collection method: clinical testing. Allele origin: germline.
Comment: This sequence change creates a premature translational stop signal (p.Lys517*) in the MEN1 gene. While this is not anticipated to result in nonsense mediated decay, it is expected to disrupt the last 94 amino acid(s) of the MEN1 protein. This variant is not present in population databases (gnomAD no frequency). This premature translational stop signal has been observed in individual(s) with granular, cellular tumours of the pituitary gland (PMID: 31275768). ClinVar contains an entry for this variant (Variation ID: 200986). This variant disrupts the NLS2 domain of the MEN1 protein, which is important for DNA binding and repression of cell proliferation (PMID: 15331604, 16449969). While functional studies have not been performed to directly test the effect of this variant on MEN1 protein function, this suggests that disruption of this region of the protein is causative of disease. This variant disrupts a region of the MEN1 protein in which other variant(s) (p.Arg554*) have been determined to be pathogenic (PMID: 11578300, 17158764, 17853334). This suggests that this is a clinically significant region of the protein, and that variants that disrupt it are likely to be disease-causing. For these reasons, this variant has been classified as Pathogenic.

Ambry Genetics
Classification: Pathogenic for Hereditary cancer-predisposing syndrome. Last evaluated: 2024-12-10. Review status: criteria provided, single submitter. Criteria: Ambry Variant Classification Scheme 2023. Collection method: clinical testing. Allele origin: germline.
Comment: The p.K517* pathogenic mutation (also known as c.1549A>T), located in coding exon 9 of the MEN1 gene, results from an A to T substitution at nucleotide position 1549. This changes the amino acid from a lysine to a stop codon within coding exon 9. This alteration occurs at the 3' terminus of theMEN1 gene, is not expected to trigger nonsense-mediated mRNA decay, and impacts the last 15.4% of the protein. However, premature stop codons are typically deleterious in nature, and a significant portion of the protein is affected (Ambry internal data). This variant was reported in individual(s) with features consistent with multiple endocrine neoplasia, type 1 (Ambry internal data). This variant is considered to be rare based on population cohorts in the Genome Aggregation Database (gnomAD). Based on the supporting evidence, this variant is interpreted as a disease-causing mutation.

Literature cited by the submitters: PubMed 31275768 (cited by Labcorp Genetics (formerly Invitae), Labcorp); PubMed 15331604 (cited by Labcorp Genetics (formerly Invitae), Labcorp); PubMed 16449969 (cited by Labcorp Genetics (formerly Invitae), Labcorp); PubMed 11578300 (cited by Labcorp Genetics (formerly Invitae), Labcorp); PubMed 17158764 (cited by Labcorp Genetics (formerly Invitae), Labcorp); PubMed 17853334 (cited by Labcorp Genetics (formerly Invitae), Labcorp); PubMed 26767918 (cited by Ambry Genetics).